The following is an entry in ClinVar:

ClinVar aggregate classification (germline): Uncertain significance (1 of 4 stars; one submission).

Conditions:
Dilated cardiomyopathy 1O (CMD1O). Also called: CARDIOMYOPATHY, DILATED, WITH VENTRICULAR TACHYCARDIA. Identifiers: Orphanet 154, MedGen C1837839, MONDO:0012062, OMIM 608569.

Allele frequency attached by ClinVar (database versions not stated): gnomAD exomes below 0.00001.
gnomAD v4.1: 1 of 1,610,992 alleles (0.000062%); highest among the groups gnomAD compares: Non-Finnish European, 0.000085%; no homozygotes.

Submission:

Labcorp Genetics (formerly Invitae), Labcorp
Classification: Uncertain significance for Dilated cardiomyopathy 1O. Last evaluated: 2022-07-12. Review status: criteria provided, single submitter. Criteria: Invitae Variant Classification Sherloc (09022015). Collection method: clinical testing. Allele origin: germline.
Comment: This sequence change replaces tyrosine, which is neutral and polar, with histidine, which is basic and polar, at codon 678 of the ABCC9 protein (p.Tyr678His). This variant is not present in population databases (gnomAD no frequency). This variant has not been reported in the literature in individuals affected with ABCC9-related conditions. Algorithms developed to predict the effect of missense changes on protein structure and function are either unavailable or do not agree on the potential impact of this missense change (SIFT: "Deleterious"; PolyPhen-2: "Benign"; Align-GVGD: "Class C0"). In summary, the available evidence is currently insufficient to determine the role of this variant in disease. Therefore, it has been classified as a Variant of Uncertain Significance.

NM_020297.4(ABCC9):c.2032T>C (p.Tyr678His)

Gene: ABCC9 (ATP binding cassette subfamily C member 9; minus strand). Cytogenetic location: 12p12.1.
Variant type: single nucleotide variant.
Coding change: c.2032T>C on transcript NM_020297.4 (MANE Select); coding-DNA position 2032, T replaced by C.
Protein change: p.Tyr678His; replaces tyrosine 678 with histidine.
Molecular consequence: missense variant.
Genome position (GRCh38, 1-based): chr12:21,875,714, A>G on the plus strand (T>C on the coding strand, the complement: ABCC9 is on the minus strand). VCF-style: chr12-21875714-A-G. GRCh37 (hg19) VCF-style: chr12-22028648-A-G.
Other names: c.2032T>C, p.Tyr678His (NM_001377273.1, NM_005691.4); c.1168T>C, p.Tyr390His (NM_001377274.1); short protein forms Y390H, Y678H.
Identifiers: ClinVar variation 2011784 (VCV002011784.4), dbSNP rs2541364268, ClinGen allele CA384134444.